The following is an entry in ClinVar:

ClinVar aggregate classification (germline): Likely benign (1 of 4 stars; one submission).

Allele frequency attached by ClinVar (database versions not stated): TOPMed 0.01399; gnomAD 0.01525 and 0.01698; 1000 Genomes Project 30x 0.01921; 1000 Genomes Project 0.02037; gnomAD exomes 0.02460.
gnomAD v4.1: 14,141 of 625,854 alleles (2.3%); highest among the groups gnomAD compares: South Asian, 6.1%; 252 homozygotes.

Submission:

GeneDx
Classification: Likely benign. Last evaluated: 2018-06-16. Review status: criteria provided, single submitter. Criteria: GeneDx Variant Classification (06012015). Collection method: clinical testing. Allele origin: germline. Affected: yes.
Comment: This variant is considered likely benign or benign based on one or more of the following criteria: it is a conservative change, it occurs at a poorly conserved position in the protein, it is predicted to be benign by multiple in silico algorithms, and/or has population frequency not consistent with disease.

NM_016156.6(MTMR2):c.469-147C>T

Gene: MTMR2 (myotubularin related protein 2; minus strand). Cytogenetic location: 11q21.
Variant type: single nucleotide variant.
Coding change: c.469-147C>T on transcript NM_016156.6 (MANE Select); 147 bases into the intron before coding-DNA position 469, C replaced by T.
Molecular consequence: intron variant.
Genome position (GRCh38, 1-based): chr11:95,858,779, G>A on the plus strand (C>T on the coding strand, the complement: MTMR2 is on the minus strand). VCF-style: chr11-95858779-G-A. GRCh37 (hg19) VCF-style: chr11-95591943-G-A.
Other names: c.253-147C>T (NM_201281.3, NM_201278.3, NM_001243571.2).
Identifiers: ClinVar variation 674079 (VCV000674079.1), dbSNP rs139704398, ClinGen allele CA226609526.